The following is an entry in ClinVar:

ClinVar aggregate classification (germline): Uncertain significance (1 of 4 stars; one submission).

Allele frequency attached by ClinVar (database versions not stated): gnomAD exomes below 0.00001.
gnomAD v4.1: 1 of 1,579,634 alleles (0.000063%); highest among the groups gnomAD compares: South Asian, 0.0011%; no homozygotes.

Submission:

Labcorp Genetics (formerly Invitae), Labcorp
Classification: Uncertain significance. Last evaluated: 2025-07-28. Review status: criteria provided, single submitter. Criteria: Invitae Variant Classification Sherloc (09022015). Collection method: clinical testing. Allele origin: germline.
Comment: This sequence change replaces serine, which is neutral and polar, with arginine, which is basic and polar, at codon 233 of the DGAT1 protein (p.Ser233Arg). This variant is present in population databases (no rsID available, gnomAD 0.004%). This variant has not been reported in the literature in individuals affected with DGAT1-related conditions. ClinVar contains an entry for this variant (Variation ID: 1360427). An algorithm developed to predict the effect of missense changes on protein structure and function (PolyPhen-2) suggests that this variant is likely to be tolerated. In summary, the available evidence is currently insufficient to determine the role of this variant in disease. Therefore, it has been classified as a Variant of Uncertain Significance.

NM_012079.6(DGAT1):c.699C>G (p.Ser233Arg)

Gene: DGAT1 (diacylglycerol O-acyltransferase 1; minus strand). Cytogenetic location: 8q24.3.
Variant type: single nucleotide variant.
Coding change: c.699C>G on transcript NM_012079.6 (MANE Select); coding-DNA position 699, C replaced by G.
Protein change: p.Ser233Arg; replaces serine 233 with arginine.
Molecular consequence: missense variant.
Genome position (GRCh38, 1-based): chr8:144,318,147, G>C on the plus strand (C>G on the coding strand, the complement: DGAT1 is on the minus strand). VCF-style: chr8-144318147-G-C. GRCh37 (hg19) VCF-style: chr8-145541810-G-C.
Other names: short protein forms S233R.
Identifiers: ClinVar variation 1360427 (VCV001360427.8), dbSNP rs1554847519, ClinGen allele CA372612039.